The following is an entry in ClinVar:

ClinVar aggregate classification (germline): Uncertain significance (1 of 4 stars; one submission).

Conditions:
Brugada syndrome 5 (BRGDA5). Identifiers: Orphanet 130, Orphanet 871, MedGen C2748541, MONDO:0013015, OMIM 612838.

gnomAD v4.1: 1 of 1,614,100 alleles (0.000062%); highest among the groups gnomAD compares: Non-Finnish European, 0.000085%; no homozygotes.

Submission:

Labcorp Genetics (formerly Invitae), Labcorp
Classification: Uncertain significance for Brugada syndrome 5. Last evaluated: 2025-05-01. Review status: criteria provided, single submitter. Criteria: Invitae Variant Classification Sherloc (09022015). Collection method: clinical testing. Allele origin: germline.
Comment: This sequence change replaces alanine, which is neutral and non-polar, with aspartic acid, which is acidic and polar, at codon 30 of the SCN1B protein (p.Ala30Asp). This variant is not present in population databases (gnomAD no frequency). This variant has not been reported in the literature in individuals affected with SCN1B-related conditions. ClinVar contains an entry for this variant (Variation ID: 3725503). An algorithm developed to predict the effect of missense changes on protein structure and function (PolyPhen-2) suggests that this variant is likely to be disruptive. In summary, the available evidence is currently insufficient to determine the role of this variant in disease. Therefore, it has been classified as a Variant of Uncertain Significance.

NM_001037.5(SCN1B):c.89C>A (p.Ala30Asp)

Gene: SCN1B (sodium voltage-gated channel beta subunit 1; plus strand). Cytogenetic location: 19q13.11.
Variant type: single nucleotide variant.
Coding change: c.89C>A on transcript NM_001037.5 (MANE Select); coding-DNA position 89, C replaced by A.
Protein change: p.Ala30Asp; replaces alanine 30 with aspartic acid.
Molecular consequence: missense variant. On other transcripts: 5 prime UTR variant (1).
Genome position (GRCh38, 1-based): chr19:35,032,576, C>A. VCF-style: chr19-35032576-C-A. GRCh37 (hg19) VCF-style: chr19-35523480-C-A.
Other names: c.-11C>A (NM_001321605.2); c.89C>A, p.Ala30Asp (NM_199037.5); short protein forms A30D.
Identifiers: ClinVar variation 3725503 (VCV003725503.2).